The following continues an entry in ClinVar:

NM_000059.4(BRCA2):c.7251_7252del (p.His2417fs)

Gene: BRCA2. ClinVar aggregate classification (germline): Pathogenic. Pathogenic (1).

Submissions 13 to 18 of 18:

Department of Molecular Diagnostics, Institute of Oncology Ljubljana
Classification: Pathogenic for Breast-ovarian cancer, familial, susceptibility to, 1. Last evaluated: 2020-04-02. Review status: criteria provided, single submitter. Criteria: ACMG Guidelines, 2015. Collection method: clinical testing. Allele origin: germline. Affected: yes. Not counted in ClinVar's aggregate classification.

Consortium of Investigators of Modifiers of BRCA1/2 (CIMBA), c/o University of Cambridge
Classification: Pathogenic for Breast-ovarian cancer, familial, susceptibility to, 2. Last evaluated: 2015-10-02. Review status: criteria provided, single submitter. Criteria: CIMBA Mutation Classification guidelines May 2016. Collection method: clinical testing. Allele origin: germline. Not counted in ClinVar's aggregate classification.

Neuberg Centre For Genomic Medicine, NCGM
Classification: Pathogenic for Breast-ovarian cancer, familial, susceptibility to, 2. Review status: criteria provided, single submitter. Criteria: ACMG Guidelines, 2015. Collection method: clinical testing. Allele origin: germline. Inheritance: Autosomal dominant inheritance. Affected: yes. Not counted in ClinVar's aggregate classification.
Comment: The frame shift c.7251_7252del(p.His2417GlnfsTer3) variant has been reported previously in patients affected with {Breast-ovarian cancer, familial, 2} (Lubinski et. al., 2004). The p.His2417GlnfsTer3 variant is novel (not in any individuals) in gnomAD Exomes and 1000 Genomes. This variant has been reported to the ClinVar database as Pathogenic. This variant causes a frameshift starting with codon Histidine 2417, changes this amino acid to Glutamine residue, and creates a premature Stop codon at position 3 of the new reading frame, denoted p.His2417GlnfsTer3. Loss of function variants have been previously reported to be disease causing. For these reasons, this variant has been classified as Pathogenic.

Counsyl
Classification: Pathogenic for Breast-ovarian cancer, familial, susceptibility to, 2. Last evaluated: 2017-03-03. Review status: no assertion criteria provided. Collection method: clinical testing. Allele origin: unknown. Not counted in ClinVar's aggregate classification.

Foulkes Cancer Genetics LDI, Lady Davis Institute for Medical Research
Classification: Pathogenic for Breast and/or ovarian cancer. Last evaluated: 2015-04-22. Review status: no assertion criteria provided. Collection method: clinical testing. Allele origin: germline. Study: The Canadian Open Genetics Repository (COGR). Not counted in ClinVar's aggregate classification.

Sharing Clinical Reports Project (SCRP)
Classification: Pathogenic for Breast-ovarian cancer, familial 2. Last evaluated: 2012-05-01. Review status: no assertion criteria provided. Collection method: clinical testing. Allele origin: germline. Not counted in ClinVar's aggregate classification.

Literature cited by the submitters: PubMed 20104584 (cited by Labcorp Genetics (formerly Invitae), Labcorp); PubMed 15131399 (cited by 4 submitters); PubMed 25330149 (cited by 3 submitters); PubMed 25948282 (cited by 4 submitters); PubMed 29446198 (cited by 3 submitters); PubMed 29753700 (cited by Quest Diagnostics Nichols Institute San Juan Capistrano); PubMed 24784157 (cited by Quest Diagnostics Nichols Institute San Juan Capistrano and Counsyl); PubMed 26843898 (cited by Quest Diagnostics Nichols Institute San Juan Capistrano); PubMed 31209999 (cited by Color Diagnostics, LLC DBA Color Health).